The following is an entry in ClinVar:

ClinVar aggregate classification (germline): Conflicting classifications of pathogenicity. Review status: criteria provided, conflicting classifications (1 of 4 stars). 10 submissions from 10 submitters: Uncertain significance (6); Likely benign (3). 1 of the submissions does not count toward it. Last evaluated 2026-01-13.

Conditions:
APC-related disorder. Also called: APC-related condition.
Hereditary cancer-predisposing syndrome. Also called: Neoplastic Syndromes, Hereditary; Tumor predisposition; Hereditary Cancer Syndrome; Hereditary neoplastic syndrome. Identifiers: Orphanet 140162, MedGen C0027672, MeSH D009386, MONDO:0015356.
Familial adenomatous polyposis 1 (FAP1). Also called: FAMILIAL ADENOMATOUS POLYPOSIS 1, ATTENUATED; POLYPOSIS, ADENOMATOUS INTESTINAL. Identifiers: MedGen C2713442, MONDO:0021056, OMIM 175100. Disease mechanism: loss of function.

Allele frequency attached by ClinVar (database versions not stated): TOPMed below 0.00001; gnomAD exomes 0.00001; ExAC 0.00002; gnomAD 0.00004.

Submissions (10):

Labcorp Genetics (formerly Invitae), Labcorp
Classification: Uncertain significance for Familial adenomatous polyposis 1. Last evaluated: 2026-01-13. Review status: criteria provided, single submitter. Criteria: Invitae Variant Classification Sherloc (09022015). Collection method: clinical testing. Allele origin: germline.
Comment: This sequence change replaces arginine, which is basic and polar, with glutamine, which is neutral and polar, at codon 88 of the APC protein (p.Arg88Gln). This variant is present in population databases (rs587780592, gnomAD 0.006%). This variant has not been reported in the literature in individuals affected with APC-related conditions. ClinVar contains an entry for this variant (Variation ID: 135692). Invitae Evidence Modeling of protein sequence and biophysical properties (such as structural, functional, and spatial information, amino acid conservation, physicochemical variation, residue mobility, and thermodynamic stability) indicates that this missense variant is not expected to disrupt APC protein function with a negative predictive value of 95%. In summary, the available evidence is currently insufficient to determine the role of this variant in disease. Therefore, it has been classified as a Variant of Uncertain Significance.

Quest Diagnostics Nichols Institute San Juan Capistrano
Classification: Uncertain significance. Last evaluated: 2025-10-14. Review status: criteria provided, single submitter. Criteria: Quest Diagnostics criteria. Collection method: clinical testing. Allele origin: unknown.
Comment: The APC c.263G>A (p.Arg88Gln) variant has been reported in the published literature in an individual with breast cancer (PMID: 38874686 (2024)), and a reportedly unaffected individual (PMID: 36243179 (2023)). The frequency of this variant in the general population (Genome Aggregation Database) is higher than would generally be expected for pathogenic variants in this gene. Analysis of this variant using bioinformatics tools for the prediction of the effect of amino acid changes on protein structure and function yielded predictions that this variant is benign. Based on the available information, we are unable to determine the clinical significance of this variant.

PreventionGenetics, part of Exact Sciences
Classification: Uncertain significance for APC-related condition. Last evaluated: 2025-07-01. Review status: criteria provided, single submitter. Criteria: ACMG Guidelines, 2015. Collection method: clinical testing. Allele origin: germline.
Comment: The APC c.263G>A variant is predicted to result in the amino acid substitution p.Arg88Gln. To our knowledge, this variant has not been reported in individuals with APC-related disease. This variant is reported in 0.0054% of alleles in individuals of European (Non-Finnish) descent in gnomAD. This variant has interpretations ranging from likely benign to uncertain significance in ClinVar. At this time, the clinical significance of this variant is uncertain due to the absence of conclusive functional and genetic evidence.

Color Diagnostics, LLC DBA Color Health
Classification: Likely benign for Hereditary cancer-predisposing syndrome. Last evaluated: 2024-10-29. Review status: criteria provided, single submitter. Criteria: ACMG Guidelines, 2015. Collection method: clinical testing. Allele origin: germline.

Baylor Genetics
Classification: Uncertain significance for Familial adenomatous polyposis 1. Last evaluated: 2023-08-29. Review status: criteria provided, single submitter. Criteria: ACMG Guidelines, 2015. Collection method: clinical testing. Allele origin: unknown.

Blueprint Genetics
Classification: Likely benign. Last evaluated: 2023-03-09. Review status: criteria provided, single submitter. Criteria: ACMG Guidelines, 2015. Collection method: clinical testing. Allele origin: germline.

Myriad Genetics, Inc.
Classification: Uncertain significance for Familial adenomatous polyposis 1. Last evaluated: 2023-02-21. Review status: criteria provided, single submitter. Criteria: Myriad Autosomal Dominant, Autosomal Recessive and X-Linked Classification Criteria (2023). Collection method: clinical testing. Allele origin: unknown.
Comment: This variant is classified as a variant of uncertain significance as there is insufficient evidence to determine its impact on protein function and/or cancer risk.

Ambry Genetics
Classification: Likely benign for Hereditary cancer-predisposing syndrome. Last evaluated: 2023-01-26. Review status: criteria provided, single submitter. Criteria: Ambry Variant Classification Scheme 2023. Collection method: clinical testing. Allele origin: germline.

GeneDx
Classification: Uncertain significance. Last evaluated: 2020-01-21. Review status: criteria provided, single submitter. Criteria: GeneDx Variant Classification Process June 2021. Collection method: clinical testing. Allele origin: germline. Affected: yes.
Comment: Has not been previously published as pathogenic or benign to our knowledge; In silico analysis, which includes protein predictors and evolutionary conservation, supports that this variant does not alter protein structure/function

Counsyl
Classification: Uncertain significance for Familial adenomatous polyposis 1. Last evaluated: 2016-10-04. Review status: no assertion criteria provided. Collection method: clinical testing. Allele origin: unknown. Not counted in ClinVar's aggregate classification.

Literature cited by the submitters: PubMed 38874686 (cited by Quest Diagnostics Nichols Institute San Juan Capistrano); PubMed 36243179 (cited by Quest Diagnostics Nichols Institute San Juan Capistrano).

NM_000038.6(APC):c.263G>A (p.Arg88Gln)

Gene: APC (APC regulator of Wnt signaling pathway; plus strand). Cytogenetic location: 5q22.2.
Variant type: single nucleotide variant.
Coding change: c.263G>A on transcript NM_000038.6 (MANE Select); coding-DNA position 263, G replaced by A.
Protein change: p.Arg88Gln; replaces arginine 88 with glutamine.
Molecular consequence: missense variant. On other transcripts: 5 prime UTR variant (1).
Genome position (GRCh38, 1-based): chr5:112,767,231, G>A. VCF-style: chr5-112767231-G-A. GRCh37 (hg19) VCF-style: chr5-112102928-G-A.
Other names: c.263G>A, p.Arg88Gln (NM_001127510.3, NM_001354895.2, NM_001354896.2 and 2 more transcripts); c.293G>A, p.Arg98Gln (NM_001127511.3, NM_001354897.2, NM_001354902.2); c.188G>A, p.Arg63Gln (NM_001354898.2, NM_001354904.2); c.86G>A, p.Arg29Gln (NM_001354900.2, NM_001354901.2, NM_001354905.2); c.-773G>A (NM_001354906.2); short protein forms R88Q, R98Q, R29Q, R63Q.
Identifiers: ClinVar variation 135692 (VCV000135692.28), dbSNP rs587780592, ClinGen allele CA007680.
Genomic context (GRCh38, chr5:112,767,231, plus strand): 5'-TGTTTCTATTTTATTTAGAGCTTAACTTAGATAGCAGTAATTTCCCTGGAGTAAAACTGC[G>A]GTCAAAAATGTCCCTCCGTTCTTATGGAAGCCGGGAAGGATCTGTATCAAGCCGTTCTGG-3'
Protein context (NP_000029.2, residues 78-98): DSSNFPGVKL[Arg88Gln]SKMSLRSYGS